The following is an entry in ClinVar:

NM_001101362.3(KBTBD13):c.163G>A (p.Ala55Thr)

Gene: KBTBD13 (kelch repeat and BTB domain containing 13; plus strand). Cytogenetic location: 15q22.31.
Variant type: single nucleotide variant.
Coding change: c.163G>A on transcript NM_001101362.3 (MANE Select); coding-DNA position 163, G replaced by A.
Protein change: p.Ala55Thr; replaces alanine 55 with threonine.
Molecular consequence: missense variant.
Genome position (GRCh38, 1-based): chr15:65,076,978, G>A. VCF-style: chr15-65076978-G-A. GRCh37 (hg19) VCF-style: chr15-65369316-G-A.
Other names: short protein forms A55T.
Identifiers: ClinVar variation 257452 (VCV000257452.18), dbSNP rs551460635, ClinGen allele CA7613885.
Genomic context (GRCh38, chr15:65,076,978, plus strand): 5'-CTCTTCCGCTCCGGCATGCGGGAGACCCGCGCAGCAGAGGTGCGCCTGGGCGTTCTGAGC[G>A]CGGGAGGTTTCCGCGCCACGCTGCAGGTGCTGCGCGGCGACCGGCCGGCGCTGGCGGCGG-3'
Protein context (NP_001094832.1, residues 45-65): AAEVRLGVLS[Ala55Thr]GGFRATLQVL

ClinVar aggregate classification (germline): Benign/Likely benign. Review status: criteria provided, multiple submitters, no conflicts (2 of 4 stars). 4 submissions from 4 submitters: Benign (1); Likely benign (2). 1 of the submissions does not count toward it. Last evaluated 2026-01-21.

Conditions:
KBTBD13-related disorder. Also called: KBTBD13-related condition.
Nemaline myopathy 6 (NEM6). Also called: Nemaline myopathy 6, autosomal dominant. Identifiers: Orphanet 171439, MedGen C1836472, MONDO:0012237, OMIM 609273.

Allele frequency attached by ClinVar (database versions not stated): gnomAD exomes 0.00090 and 0.00027; 1000 Genomes Project 0.00140; 1000 Genomes Project 30x 0.00156; ExAC 0.00327; gnomAD 0.00001 and 0.00017; TOPMed 0.00002.
gnomAD v4.1: 393 of 1,541,154 alleles (0.026%); highest among the groups gnomAD compares: South Asian, 0.44%; 7 homozygotes.

Submissions (4):

Labcorp Genetics (formerly Invitae), Labcorp
Classification: Likely benign for Nemaline myopathy 6. Last evaluated: 2026-01-21. Review status: criteria provided, single submitter. Criteria: Invitae Variant Classification Sherloc (09022015). Collection method: clinical testing. Allele origin: germline.

Blueprint Genetics
Classification: Likely benign. Last evaluated: 2024-10-10. Review status: criteria provided, single submitter. Criteria: ACMG Guidelines, 2015. Collection method: clinical testing. Allele origin: germline.

Illumina Laboratory Services, Illumina
Classification: Benign for Nemaline myopathy 6. Last evaluated: 2018-01-12. Review status: criteria provided, single submitter. Criteria: ICSL Variant Classification Criteria 13 December 2019. Collection method: clinical testing. Allele origin: germline.
Comment: This variant was observed in the ICSL laboratory as part of a predisposition screen in an ostensibly healthy population. It had not been previously curated by ICSL or reported in the Human Gene Mutation Database (HGMD: prior to June 1st, 2018), and was therefore a candidate for classification through an automated scoring system. Utilizing variant allele frequency, disease prevalence and penetrance estimates, and inheritance mode, an automated score was calculated to assess if this variant is too frequent to cause the disease. Based on the score and internal cut-off values, a variant classified as benign is not then subjected to further curation. The score for this variant resulted in a classification of benign for this disease.

PreventionGenetics, part of Exact Sciences
Classification: Benign for KBTBD13-related condition. Last evaluated: 2019-05-10. Review status: no assertion criteria provided. Collection method: clinical testing. Allele origin: germline. Not counted in ClinVar's aggregate classification.
Comment: This variant is classified as benign based on ACMG/AMP sequence variant interpretation guidelines (Richards et al. 2015 PMID: 25741868, with internal and published modifications).